The following is an entry in ClinVar:

ClinVar aggregate classification (germline): Uncertain significance (1 of 4 stars; one submission).

gnomAD v4.1: 4 of 1,613,768 alleles (0.00025%); highest among the groups gnomAD compares: Non-Finnish European, 0.00034%; no homozygotes.

Submission:

Labcorp Genetics (formerly Invitae), Labcorp
Classification: Uncertain significance. Last evaluated: 2025-05-13. Review status: criteria provided, single submitter. Criteria: Invitae Variant Classification Sherloc (09022015). Collection method: clinical testing. Allele origin: germline.
Comment: This sequence change replaces serine, which is neutral and polar, with arginine, which is basic and polar, at codon 1046 of the HMCN1 protein (p.Ser1046Arg). This variant is not present in population databases (gnomAD no frequency). This variant has not been reported in the literature in individuals affected with HMCN1-related conditions. An algorithm developed to predict the effect of missense changes on protein structure and function (PolyPhen-2) suggests that this variant is likely to be disruptive. In summary, the available evidence is currently insufficient to determine the role of this variant in disease. Therefore, it has been classified as a Variant of Uncertain Significance.

NM_031935.3(HMCN1):c.3138T>A (p.Ser1046Arg)

Gene: HMCN1 (hemicentin 1; plus strand). Cytogenetic location: 1q31.1.
Variant type: single nucleotide variant.
Coding change: c.3138T>A on transcript NM_031935.3 (MANE Select); coding-DNA position 3138, T replaced by A.
Protein change: p.Ser1046Arg; replaces serine 1046 with arginine.
Molecular consequence: missense variant.
Genome position (GRCh38, 1-based): chr1:185,989,577, T>A. VCF-style: chr1-185989577-T-A. GRCh37 (hg19) VCF-style: chr1-185958709-T-A.
Other names: short protein forms S1046R.
Identifiers: ClinVar variation 4697667 (VCV004697667.1).
Genomic context (GRCh38, chr1:185,989,577, plus strand): 5'-TAAGTTTTCAGCAGGAGCTGATGGTAGTCTGTATGTGGTATCACCTGGAGGAGAGGAGAG[T>A]GGGGAGTATGTCTGCACTGCCACCAATACAGCCGGCTACGCCAAAAGGAAAGTGCAGCTA-3'
Protein context (NP_114141.2, residues 1036-1056): LYVVSPGGEE[Ser1046Arg]GEYVCTATNT